The following is an entry in ClinVar:

ClinVar aggregate classification (germline): Uncertain significance (1 of 4 stars; one submission).

Conditions:
Dystonia 12 (DYT12). Also called: DYT-ATP1A3; Rapid-Onset Dystonia-Parkinsonism (RDP). Identifiers: Orphanet 71517, MedGen C1868681, MONDO:0007496, OMIM 128235.

gnomAD v4.1: 2 of 1,614,166 alleles (0.00012%); highest among the groups gnomAD compares: Non-Finnish European, 0.00017%; no homozygotes.

Submission:

Labcorp Genetics (formerly Invitae), Labcorp
Classification: Uncertain significance for Dystonia 12. Last evaluated: 2021-06-05. Review status: criteria provided, single submitter. Criteria: Invitae Variant Classification Sherloc (09022015). Collection method: clinical testing. Allele origin: germline.
Comment: This variant is not present in population databases (ExAC no frequency). This variant has not been reported in the literature in individuals with ATP1A3-related conditions. Advanced modeling of protein sequence and biophysical properties (such as structural, functional, and spatial information, amino acid conservation, physicochemical variation, residue mobility, and thermodynamic stability) performed at Invitae indicates that this missense variant is expected to disrupt ATP1A3 protein function. In summary, the available evidence is currently insufficient to determine the role of this variant in disease. Therefore, it has been classified as a Variant of Uncertain Significance. This sequence change replaces valine with leucine at codon 457 of the ATP1A3 protein (p.Val457Leu). The valine residue is highly conserved and there is a small physicochemical difference between valine and leucine.

NM_152296.5(ATP1A3):c.1369G>C (p.Val457Leu)

Gene: ATP1A3 (ATPase Na+/K+ transporting subunit alpha 3; minus strand). Cytogenetic location: 19q13.2.
Variant type: single nucleotide variant.
Coding change: c.1369G>C on transcript NM_152296.5 (MANE Select); coding-DNA position 1369, G replaced by C.
Protein change: p.Val457Leu; replaces valine 457 with leucine.
Molecular consequence: missense variant.
Genome position (GRCh38, 1-based): chr19:41,981,570, C>G on the plus strand (G>C on the coding strand, the complement: ATP1A3 is on the minus strand). VCF-style: chr19-41981570-C-G. GRCh37 (hg19) VCF-style: chr19-42485722-C-G.
Other names: c.1402G>C, p.Val468Leu (NM_001256213.2); c.1408G>C, p.Val470Leu (NM_001256214.2); short protein forms V457L, V468L, V470L.
Identifiers: ClinVar variation 1359082 (VCV001359082.8), dbSNP rs2145971610, ClinGen allele CA406049640.
Genomic context (GRCh38, chr19:41,981,570, plus strand): 5'-TGTTGGTGGAATTGAAGGGAATCTCAGCCACTTTCTTGTTGCGTTCACGCATCAGCTTCA[C>G]GGAGCCAGAGGACAGCTCGATGCACTTGAGCAGGGCAGACTCAGACGCATCCCCAGCCAC-3'
Protein context (NP_689509.1, residues 447-467): LKCIELSSGS[Val457Leu]KLMRERNKKV